The following is an entry in ClinVar:

ClinVar aggregate classification (germline): Uncertain significance (1 of 4 stars; one submission).

Conditions:
Epidermolysis bullosa simplex with nail dystrophy (EBS5D). Identifiers: MedGen C4225309, MONDO:0014661, OMIM 616487.
Autosomal recessive limb-girdle muscular dystrophy type 2Q (LGMDR17). Also called: MUSCULAR DYSTROPHY, LIMB-GIRDLE, AUTOSOMAL RECESSIVE 17. Identifiers: Orphanet 254361, MedGen C3150989, MONDO:0013390, OMIM 613723.
Epidermolysis bullosa simplex 5B, with muscular dystrophy (EBS5B). Also called: Epidermolysis bullosa simplex with muscular dystrophy; EPIDERMOLYSIS BULLOSA SIMPLEX AND LIMB-GIRDLE MUSCULAR DYSTROPHY. Identifiers: Orphanet 257, MedGen C2931072, MONDO:0009181, OMIM 226670.
Epidermolysis bullosa simplex 5C, with pyloric atresia (EBS5C). Also called: PLEC-Related Epidermolysis Bullosa with Pyloric Atresia; Epidermolysis bullosa simplex with pyloric atresia; PLEC1-Related Epidermolysis Bullosa with Pyloric Atresia. Identifiers: Orphanet 158684, MedGen C2677349, MONDO:0012807, OMIM 612138.
Epidermolysis bullosa simplex, Ogna type (EBS5A). Also called: Pidermolysis bullosa simplex 5A, Ogna type; EPIDERMOLYSIS BULLOSA SIMPLEX 5A, OGNA TYPE. Identifiers: Orphanet 79401, MedGen C0432317, MONDO:0007555, OMIM 131950.

gnomAD v4.1: 10 of 1,597,800 alleles (0.00063%); highest among the groups gnomAD compares: African/African-American, 0.0067%; no homozygotes.

Submission:

Labcorp Genetics (formerly Invitae), Labcorp
Classification: Uncertain significance for Autosomal recessive limb-girdle muscular dystrophy type 2Q; Epidermolysis bullosa simplex, Ogna type; Epidermolysis bullosa simplex with nail dystrophy; Epidermolysis bullosa simplex 5C, with pyloric atresia; Epidermolysis bullosa simplex 5B, with muscular dystrophy. Last evaluated: 2024-07-08. Review status: criteria provided, single submitter. Criteria: Invitae Variant Classification Sherloc (09022015). Collection method: clinical testing. Allele origin: germline.
Comment: This sequence change replaces glycine, which is neutral and non-polar, with arginine, which is basic and polar, at codon 1976 of the PLEC protein (p.Gly1976Arg). This variant is present in population databases (no rsID available, gnomAD 0.03%). This variant has not been reported in the literature in individuals affected with PLEC-related conditions. Experimental studies and prediction algorithms are not available or were not evaluated, and the functional significance of this variant is currently unknown. In summary, the available evidence is currently insufficient to determine the role of this variant in disease. Therefore, it has been classified as a Variant of Uncertain Significance.

NM_201384.3(PLEC):c.5845G>A (p.Gly1949Arg)

Gene: PLEC (plectin; minus strand). Cytogenetic location: 8q24.3.
Variant type: single nucleotide variant.
Coding change: c.5845G>A on transcript NM_201384.3 (MANE Select); coding-DNA position 5845, G replaced by A.
Protein change: p.Gly1949Arg; replaces glycine 1949 with arginine.
Molecular consequence: missense variant. On other transcripts: intron variant (1).
Genome position (GRCh38, 1-based): chr8:143,924,084, C>T on the plus strand (G>A on the coding strand, the complement: PLEC is on the minus strand). VCF-style: chr8-143924084-C-T. GRCh37 (hg19) VCF-style: chr8-144998252-C-T.
Other names: c.5926G>A, p.Gly1976Arg (NM_000445.5); c.5803G>A, p.Gly1935Arg (NM_201378.4); c.5779G>A, p.Gly1927Arg (NM_201379.3); c.6256G>A, p.Gly2086Arg (NM_201380.4); c.5749G>A, p.Gly1917Arg (NM_201381.3); c.5845G>A, p.Gly1949Arg (NM_201382.4); c.5857G>A, p.Gly1953Arg (NM_201383.3); c.4126-1689G>A (NM_001410941.1); short protein forms G1917R, G1927R, G1935R, G1949R, G1953R, G1976R, G2086R.
Identifiers: ClinVar variation 3748087 (VCV003748087.2).
Genomic context (GRCh38, chr8:143,924,084, plus strand): 5'-CCTCCAGCTCGGCCTGCTCCTTGCTGCGCAGCGTGTCCTCCGCGTTGCTGCGGATGCGTC[C>T]CAGCTCCAGCTCCAGCTCCGCCTTGCCAGCGGCCGCCTTCTCGAAGCTCGCCTTCAGCGC-3'
Protein context (NP_958786.1, residues 1939-1959): AGKAELELEL[Gly1949Arg]RIRSNAEDTL